The following is an entry in ClinVar:

ClinVar aggregate classification (germline): Uncertain significance (1 of 4 stars; one submission).

Conditions:
Hypotonia, infantile, with psychomotor retardation and characteristic facies 2 (IHPRF2). Also called: UNC80 Deficiency. Identifiers: Orphanet 371364, Orphanet 700333, MedGen C4225203, MONDO:0014777, OMIM 616801.

Submission:

Breda Genetics srl
Classification: Uncertain significance for Hypotonia, infantile, with psychomotor retardation and characteristic facies 2. Last evaluated: 2022-09-08. Review status: criteria provided, single submitter. Criteria: ACMG Guidelines, 2015. Collection method: clinical testing. Allele origin: maternal. Inheritance: Autosomal recessive inheritance. Affected: yes. Observed: 1 variant allele, 1 heterozygote.
Comment: Based on allele frequency, in-silico prediction scores and a certain overlap with the clinical phenotype, we interpreted this variant at least as of uncertain significance. The lack of one or more of the following features has discouraged further investigations: lack of a possible second hit in autosomal recessive conditions, presence of healthy controls in databases for autosomal dominant conditions, presence of unmatching cardinal clinical features in the patient or in the known gene-disease association, and/or variant type outside the known gene mutational spectrum.

NM_001371986.1(UNC80):c.5132T>G (p.Val1711Gly)

Genes: UNC80 (unc-80 subunit of NALCN channel complex; plus strand), LOC126806490 (P300/CBP strongly-dependent group 1 enhancer GRCh37_chr2:210782411-210783610; plus strand). Cytogenetic location: 2q34.
Variant type: single nucleotide variant.
Coding change: c.5132T>G on transcript NM_001371986.1 (MANE Select); coding-DNA position 5132, T replaced by G.
Protein change: p.Val1711Gly; replaces valine 1711 with glycine.
Molecular consequence: missense variant.
Genome position (GRCh38, 1-based): chr2:209,917,879, T>G. VCF-style: chr2-209917879-T-G. GRCh37 (hg19) VCF-style: chr2-210782603-T-G.
Other names: c.4934T>G, p.Val1645Gly (NM_032504.2); c.4919T>G, p.Val1640Gly (NM_182587.4); short protein forms V1640G, V1645G, V1711G.
Identifiers: ClinVar variation 1712512 (VCV001712512.1), dbSNP rs2471126673, ClinGen allele CA350759056.